The following is an entry in ClinVar:

ClinVar aggregate classification (germline): Uncertain significance (1 of 4 stars; one submission).

Conditions:
Hereditary cancer-predisposing syndrome. Also called: Hereditary Cancer Syndrome; Hereditary neoplastic syndrome; Neoplastic Syndromes, Hereditary; Tumor predisposition. Identifiers: Orphanet 140162, MedGen C0027672, MeSH D009386, MONDO:0015356.

Submission:

Ambry Genetics
Classification: Uncertain significance for Hereditary cancer-predisposing syndrome. Last evaluated: 2022-02-01. Review status: criteria provided, single submitter. Criteria: Ambry Variant Classification Scheme 2023. Collection method: clinical testing. Allele origin: germline.
Comment: The p.E1989G variant (also known as c.5966A>G), located in coding exon 15 of the APC gene, results from an A to G substitution at nucleotide position 5966. The glutamic acid at codon 1989 is replaced by glycine, an amino acid with similar properties. This amino acid position is not well conserved in available vertebrate species. In addition, in silico predictors for this gene do not accurately predict pathogenicity. Since supporting evidence is limited at this time, the clinical significance of this alteration remains unclear.

NM_000038.6(APC):c.5966A>G (p.Glu1989Gly)

Gene: APC (APC regulator of Wnt signaling pathway; plus strand). Cytogenetic location: 5q22.2.
Variant type: single nucleotide variant.
Coding change: c.5966A>G on transcript NM_000038.6 (MANE Select); coding-DNA position 5966, A replaced by G.
Protein change: p.Glu1989Gly; replaces glutamic acid 1989 with glycine.
Molecular consequence: missense variant.
Genome position (GRCh38, 1-based): chr5:112,841,560, A>G. VCF-style: chr5-112841560-A-G. GRCh37 (hg19) VCF-style: chr5-112177257-A-G.
Other names: c.5579A>G, p.Glu1860Gly (NM_001407469.1, NM_001407467.1); c.5117A>G, p.Glu1706Gly (NM_001407470.1, NM_001354906.2); c.4814A>G, p.Glu1605Gly (NM_001407471.1, NM_001407472.1); c.5966A>G, p.Glu1989Gly (NM_001127510.3, NM_001354895.2, NM_001407450.1); c.5912A>G, p.Glu1971Gly (NM_001127511.3); c.6020A>G, p.Glu2007Gly (NM_001354896.2, NM_001407447.1, NM_001407448.1 and 1 more transcripts); c.5996A>G, p.Glu1999Gly (NM_001354897.2); c.5891A>G, p.Glu1964Gly (NM_001354898.2); and 11 more; short protein forms E1605G, E1706G, E1888G, E1961G, E1979G, E2017G, E1906G, E1860G.
Identifiers: ClinVar variation 1750753 (VCV001750753.2), dbSNP rs2149953659, ClinGen allele CA16034394.